The following is an entry in ClinVar:

NM_014363.6(SACS):c.3060A>G (p.Leu1020=)

Gene: SACS (sacsin molecular chaperone; minus strand). Cytogenetic location: 13q12.12.
Variant type: single nucleotide variant.
Coding change: c.3060A>G on transcript NM_014363.6 (MANE Select); coding-DNA position 3060, A replaced by G.
Protein change: p.Leu1020=; no amino-acid change (leucine 1020 retained).
Molecular consequence: synonymous variant.
Genome position (GRCh38, 1-based): chr13:23,340,816, T>C on the plus strand (A>G on the coding strand, the complement: SACS is on the minus strand). VCF-style: chr13-23340816-T-C. GRCh37 (hg19) VCF-style: chr13-23914955-T-C.
Other names: c.3060A>G (NM_014363.5); c.2619A>G, p.Leu873= (NM_001278055.2).
Identifiers: ClinVar variation 1154917 (VCV001154917.14), dbSNP rs746764976, ClinGen allele CA6911572.

ClinVar aggregate classification (germline): Conflicting classifications of pathogenicity. Review status: criteria provided, conflicting classifications (1 of 4 stars). 4 submissions from 4 submitters: Uncertain significance (1); Likely benign (3). Last evaluated 2026-04-01.

Conditions:
SACS-related disorder. Also called: SACS-related condition.
Spastic paraplegia. Identifiers: MedGen C0037772, HP:0001258.

Allele frequency attached by ClinVar (database versions not stated): gnomAD 0.00001; ExAC 0.00004; gnomAD exomes 0.00004 and 0.00010; TOPMed 0.00004.
gnomAD v4.1: 55 of 1,600,468 alleles (0.0034%); highest among the groups gnomAD compares: Admixed American, 0.035%; no homozygotes.

Submissions (4):

CeGaT Center for Human Genetics Tuebingen
Classification: Likely benign. Last evaluated: 2026-04-01. Review status: criteria provided, single submitter. Criteria: CeGaT Center For Human Genetics Tuebingen Variant Classification Criteria Version 2. Collection method: clinical testing. Allele origin: germline. Affected: yes. Observed: 1 variant allele.
Comment: SACS: BP4, BP7

PreventionGenetics, part of Exact Sciences
Classification: Likely benign for SACS-related condition. Last evaluated: 2026-01-22. Review status: criteria provided, single submitter. Criteria: ACMG Guidelines, 2015. Collection method: clinical testing. Allele origin: germline.
Comment: This variant is classified as likely benign based on ACMG/AMP sequence variant interpretation guidelines (Richards et al. 2015 PMID: 25741868, with internal and published modifications).

Labcorp Genetics (formerly Invitae), Labcorp
Classification: Likely benign for Spastic paraplegia. Last evaluated: 2025-10-13. Review status: criteria provided, single submitter. Criteria: Invitae Variant Classification Sherloc (09022015). Collection method: clinical testing. Allele origin: germline.

Laboratorio de Genetica e Diagnostico Molecular, Hospital Israelita Albert Einstein
Classification: Uncertain significance. Last evaluated: 2020-02-10. Review status: criteria provided, single submitter. Criteria: ACMG Guidelines, 2015. Collection method: clinical testing. Allele origin: germline. Affected: yes.
Comment: ACMG classification criteria: PM2